The following is an entry in ClinVar:

ClinVar aggregate classification (germline): Pathogenic (1 of 4 stars; one submission).

Conditions:
Lowe syndrome (OCRL). Also called: LOWE OCULOCEREBRORENAL SYNDROME; PHOSPHATIDYLINOSITOL 4,5-BISPHOSPHATE 5-PHOSPHATASE DEFICIENCY; Oculocerebrorenal Syndrome. Identifiers: Orphanet 534, MedGen C0028860, MONDO:0010645, OMIM 309000.

Submission:

Labcorp Genetics (formerly Invitae), Labcorp
Classification: Pathogenic for Lowe syndrome. Last evaluated: 2021-12-01. Review status: criteria provided, single submitter. Criteria: Invitae Variant Classification Sherloc (09022015). Collection method: clinical testing. Allele origin: germline.
Comment: Advanced modeling of protein sequence and biophysical properties (such as structural, functional, and spatial information, amino acid conservation, physicochemical variation, residue mobility, and thermodynamic stability) performed at Invitae indicates that this missense variant is expected to disrupt OCRL protein function. This missense change has been observed in individual(s) with clinical features of Lowe syndrome (Invitae). This variant is not present in population databases (gnomAD no frequency). This sequence change replaces cysteine, which is neutral and slightly polar, with arginine, which is basic and polar, at codon 498 of the OCRL protein (p.Cys498Arg). This variant disrupts the p.Cys498 amino acid residue in OCRL. Other variant(s) that disrupt this residue have been determined to be pathogenic (PMID: 10923037). This suggests that this residue is clinically significant, and that variants that disrupt this residue are likely to be disease-causing. For these reasons, this variant has been classified as Pathogenic.

Literature cited by the submitters: PubMed 10923037.

NM_000276.4(OCRL):c.1492T>C (p.Cys498Arg)

Gene: OCRL (OCRL inositol polyphosphate-5-phosphatase; plus strand). Cytogenetic location: Xq26.1.
Variant type: single nucleotide variant.
Coding change: c.1492T>C on transcript NM_000276.4 (MANE Select); coding-DNA position 1492, T replaced by C.
Protein change: p.Cys498Arg; replaces cysteine 498 with arginine.
Molecular consequence: missense variant.
Genome position (GRCh38, 1-based): chrX:129,569,289, T>C. VCF-style: chrX-129569289-T-C. GRCh37 (hg19) VCF-style: chrX-128703266-T-C.
Other names: c.1495T>C, p.Cys499Arg (NM_001318784.2); c.1492T>C, p.Cys498Arg (NM_001587.4); short protein forms C499R, C498R.
Identifiers: ClinVar variation 2022661 (VCV002022661.4), dbSNP rs2521906144, ClinGen allele CA414616343.
Genomic context (GRCh38, chrX:129,569,289, plus strand): 5'-TATGTTCTCTTTATAACTCGTTTCTTTACTTACAGTGGGAAATGCCGGGTTCCAGCCTGG[T>C]GTGACCGAATTCTTTGGAGAGGAACAAATGTTAATCAGCTTAATTATCGGAGTCACATGG-3'
Protein context (NP_000267.2, residues 488-508): SSGKCRVPAW[Cys498Arg]DRILWRGTNV